The following is an entry in ClinVar:

ClinVar aggregate classification (germline): Likely pathogenic (1 of 4 stars; one submission).

Conditions:
Intellectual developmental disorder, autosomal dominant 46. Also called: MENTAL RETARDATION, AUTOSOMAL DOMINANT 46; Intellectual disability, autosomal dominant 46. Identifiers: MedGen C4539851, MONDO:0030911, OMIM 617601.

Submission:

Institute of Immunology and Genetics Kaiserslautern
Classification: Likely pathogenic for Intellectual developmental disorder, autosomal dominant 46. Last evaluated: 2025-05-07. Review status: criteria provided, single submitter. Criteria: ACMG Guidelines, 2015. Collection method: clinical testing. Allele origin: de novo. Affected: yes.
Comment: ACMG Criteria: PS2, PM2_P, PP3; Variant was found in heterozygous state. De novo-status was confirmed via in-house segregation analysis.

NM_019842.4(KCNQ5):c.1631A>G (p.Tyr544Cys)

Gene: KCNQ5 (potassium voltage-gated channel subfamily Q member 5; plus strand). Cytogenetic location: 6q13.
Variant type: single nucleotide variant.
Coding change: c.1631A>G on transcript NM_019842.4 (MANE Select); coding-DNA position 1631, A replaced by G.
Protein change: p.Tyr544Cys; replaces tyrosine 544 with cysteine.
Molecular consequence: missense variant.
Genome position (GRCh38, 1-based): chr6:73,190,626, A>G. VCF-style: chr6-73190626-A-G. GRCh37 (hg19) VCF-style: chr6-73900349-A-G.
Other names: c.1604A>G, p.Tyr535Cys (NM_001160130.2); c.1661A>G, p.Tyr554Cys (NM_001160132.2); c.1688A>G, p.Tyr563Cys (NM_001160133.2); c.1301A>G, p.Tyr434Cys (NM_001160134.2); short protein forms Y434C, Y535C, Y544C, Y554C, Y563C.
Identifiers: ClinVar variation 4074723 (VCV004074723.1).
Genomic context (GRCh38, chr6:73,190,626, plus strand): 5'-CATACAGAATTATGAAATTTCATGTTGCAAAACGGAAGTTTAAGGAAACATTACGTCCAT[A>G]TGATGTAAAAGATGTCATTGAACAATATTCTGCTGGTCATCTGGACATGTTGTGTAGAAT-3'
Protein context (NP_062816.2, residues 534-554): KRKFKETLRP[Tyr544Cys]DVKDVIEQYS